The following is an entry in ClinVar:

ClinVar aggregate classification (germline): Likely benign. Review status: criteria provided, multiple submitters, no conflicts (2 of 4 stars). 4 submissions from 4 submitters: Likely benign (4). Last evaluated 2023-11-02.

Conditions:
Breast-ovarian cancer, familial, susceptibility to, 1 (BROVCA1). Also called: BRCA1 Hereditary Breast and Ovarian Cancer; OVARIAN CANCER, SUSCEPTIBILITY TO. Identifiers: Orphanet 145, MedGen C2676676, MONDO:0011450, OMIM 604370. Disease mechanism: loss of function.
Hereditary breast ovarian cancer syndrome. Also called: Hereditary breast and ovarian cancer syndrome; Breast and ovarian cancer; Hereditary breast and ovarian cancer syndrome (HBOC); Hereditary breast and/or ovarian cancer syndrome; BRCA1- and BRCA2-Associated Hereditary Breast and Ovarian Cancer; Hereditary breast and ovarian cancer. Identifiers: Orphanet 145, MedGen C0677776, MeSH D061325, MONDO:0003582. Disease mechanism: loss of function.
Hereditary cancer-predisposing syndrome. Also called: Neoplastic Syndromes, Hereditary; Hereditary neoplastic syndrome; Hereditary Cancer Syndrome; Tumor predisposition. Identifiers: Orphanet 140162, MedGen C0027672, MeSH D009386, MONDO:0015356.

Allele frequency attached by ClinVar (database versions not stated): gnomAD exomes below 0.00001; ExAC 0.00001.

Submissions (5):

All of Us Research Program, National Institutes of Health
Classification: Likely benign for Breast-ovarian cancer, familial, susceptibility to, 1. Last evaluated: 2023-11-02. Review status: criteria provided, single submitter. Criteria: ACMG Guidelines, 2015. Collection method: clinical testing. Allele origin: germline. Inheritance: Autosomal dominant inheritance. Observed: 1 variant allele, 1 heterozygote.
Comment: This study involves interpretation of variants in research participants for the purpose of population health screening. Participant phenotype was not available at the time of variant classification. Additional details can be found in publication PMID: 35346344, PMCID: PMC8962531

Labcorp Genetics (formerly Invitae), Labcorp
Classification: Likely benign for Hereditary breast ovarian cancer syndrome. Last evaluated: 2022-05-12. Review status: criteria provided, single submitter. Criteria: Invitae Variant Classification Sherloc (09022015). Collection method: clinical testing. Allele origin: germline.

Color Diagnostics, LLC DBA Color Health
Classification: Likely benign for Hereditary cancer-predisposing syndrome. Last evaluated: 2021-01-20. Review status: criteria provided, single submitter. Criteria: ACMG Guidelines, 2015. Collection method: clinical testing. Allele origin: germline.

GeneDx
Classification: Likely benign. Last evaluated: 2020-10-19. Review status: criteria provided, single submitter. Criteria: GeneDx Variant Classification Process June 2021. Collection method: clinical testing. Allele origin: germline. Affected: yes.
Comment: This variant is associated with the following publications: (PMID: 30209399)

Brotman Baty Institute, University of Washington
No classification provided (evidence only). Condition: Breast-ovarian cancer, familial 1. Review status: no classification provided. Collection method: in vitro. Allele origin: not applicable. Functional consequence: functionally_normal. Not counted in ClinVar's aggregate classification.
ClinVar note: "not provided" was previously submitted as the classification for the variant. However, the classification appeared to be based only on an observation of functional data so it was converted to no classification on 2025-07-30.

NM_007294.4(BRCA1):c.5075-7T>C

Gene: BRCA1 (BRCA1 DNA repair associated; minus strand). Cytogenetic location: 17q21.31.
Variant type: single nucleotide variant.
Coding change: c.5075-7T>C on transcript NM_007294.4 (MANE Select); 7 bases into the intron before coding-DNA position 5075, T replaced by C.
Molecular consequence: intron variant.
Genome position (GRCh38, 1-based): chr17:43,063,958, A>G on the plus strand (T>C on the coding strand, the complement: BRCA1 is on the minus strand). VCF-style: chr17-43063958-A-G. GRCh37 (hg19) VCF-style: chr17-41215975-A-G.
Other names: c.1622-7T>C (NM_001408458.1, NM_001408461.1, NM_001408464.1 and 7 more transcripts); c.4184-7T>C (NM_001407967.1); c.4694-7T>C (NM_001407959.1); c.4808-7T>C (NM_001407931.1, NM_001407932.1, NM_001407928.1 and 4 more transcripts); c.4931-7T>C (NM_001407747.1, NM_001407745.1, NM_001407737.1 and 21 more transcripts); c.4691-7T>C (NM_001407962.1, NM_001407960.1); c.1262-7T>C (NM_001408512.1); c.1385-7T>C (NM_001408510.1); and 73 more.
Identifiers: ClinVar variation 390156 (VCV000390156.18), dbSNP rs762729313, ClinGen allele CA053876.